The following is an entry in ClinVar:

NM_003060.4(SLC22A5):c.951G>A (p.Glu317=)

Gene: SLC22A5 (solute carrier family 22 member 5; plus strand). Cytogenetic location: 5q31.1.
Variant type: single nucleotide variant.
Coding change: c.951G>A on transcript NM_003060.4 (MANE Select); coding-DNA position 951, G replaced by A.
Protein change: p.Glu317=; no amino-acid change (glutamic acid 317 retained).
Molecular consequence: synonymous variant.
Genome position (GRCh38, 1-based): chr5:132,387,151, G>A. VCF-style: chr5-132387151-G-A. GRCh37 (hg19) VCF-style: chr5-131722843-G-A.
Other names: c.1023G>A, p.Glu341= (NM_001308122.2).
Identifiers: ClinVar variation 1004206 (VCV001004206.7), dbSNP rs1431971523, ClinGen allele CA446333778.

ClinVar aggregate classification (germline): Uncertain significance. Review status: criteria provided, multiple submitters, no conflicts (2 of 4 stars). 3 submissions from 3 submitters: Uncertain significance (2). 1 of the submissions does not count toward it. Last evaluated 2021-10-20.

Conditions:
Decreased circulating carnitine concentration. Also called: Decreased plasma carnitine. Identifiers: MedGen C5848230, HP:0003234.
Renal carnitine transport defect (CDSP). Also called: Primary carnitine deficiency; Systemic primary carnitine deficiency; CARNITINE DEFICIENCY, SYSTEMIC, DUE TO DEFECT IN RENAL REABSORPTION OF CARNITINE; CARNITINE TRANSPORTER, PLASMA-MEMBRANE, DEFICIENCY OF; CARNITINE UPTAKE DEFECT; Systemic primary carnitine deficiency disease. Identifiers: Orphanet 158, MedGen C0342788, MONDO:0008919, OMIM 212140.

Allele frequency attached by ClinVar (database versions not stated): gnomAD exomes 0.00001; TOPMed 0.00001; gnomAD 0.00002.
gnomAD v4.1: 27 of 1,614,034 alleles (0.0017%); highest among the groups gnomAD compares: Non-Finnish European, 0.002%; no homozygotes.

Submissions (3):

Fulgent Genetics
Classification: Uncertain significance for Renal carnitine transport defect. Last evaluated: 2021-10-20. Review status: criteria provided, single submitter. Criteria: ACMG Guidelines, 2015. Collection method: clinical testing. Allele origin: unknown.

Labcorp Genetics (formerly Invitae), Labcorp
Classification: Uncertain significance for Renal carnitine transport defect. Last evaluated: 2020-10-19. Review status: criteria provided, single submitter. Criteria: Invitae Variant Classification Sherloc (09022015). Collection method: clinical testing. Allele origin: germline.
Comment: This sequence change affects codon 317 of the SLC22A5 mRNA. It is a 'silent' change, meaning that it does not change the encoded amino acid sequence of the SLC22A5 protein. This variant also falls at the last nucleotide of exon 5, which is part of the consensus splice site for this exon. This variant is not present in population databases (ExAC no frequency). This variant has not been reported in the literature in individuals with SLC22A5-related conditions. Nucleotide substitutions within the consensus splice site are a relatively common cause of aberrant splicing (PMID: 17576681, 9536098). Algorithms developed to predict the effect of sequence changes on RNA splicing suggest that this variant may disrupt the consensus splice site, but this prediction has not been confirmed by published transcriptional studies. In summary, the available evidence is currently insufficient to determine the role of this variant in disease. Therefore, it has been classified as a Variant of Uncertain Significance.

Natera, Inc.
Classification: Uncertain significance for Carnitine deficiency. Last evaluated: 2021-01-28. Review status: no assertion criteria provided. Collection method: clinical testing. Allele origin: germline. Not counted in ClinVar's aggregate classification.

Literature cited by the submitters: PubMed 17576681 (cited by Labcorp Genetics (formerly Invitae), Labcorp); PubMed 9536098 (cited by Labcorp Genetics (formerly Invitae), Labcorp).